The following is an entry in ClinVar:

NM_000059.4(BRCA2):c.2834A>T (p.Lys945Ile)

Gene: BRCA2 (BRCA2 DNA repair associated; plus strand). Cytogenetic location: 13q13.1.
Variant type: single nucleotide variant.
Coding change: c.2834A>T on transcript NM_000059.4 (MANE Select); coding-DNA position 2834, A replaced by T.
Protein change: p.Lys945Ile; replaces lysine 945 with isoleucine.
Molecular consequence: missense variant.
Genome position (GRCh38, 1-based): chr13:32,337,189, A>T. VCF-style: chr13-32337189-A-T. GRCh37 (hg19) VCF-style: chr13-32911326-A-T.
Other names: short protein forms K945I.
Identifiers: ClinVar variation 846022 (VCV000846022.11), dbSNP rs1434920074, ClinGen allele CA387773861.

ClinVar aggregate classification (germline): Conflicting classifications of pathogenicity. Review status: criteria provided, conflicting classifications (1 of 4 stars). 2 submissions from 2 submitters: Uncertain significance (1); Likely benign (1). Last evaluated 2023-03-23.

Conditions:
Hereditary cancer-predisposing syndrome. Also called: Tumor predisposition; Hereditary neoplastic syndrome; Neoplastic Syndromes, Hereditary; Hereditary Cancer Syndrome. Identifiers: Orphanet 140162, MedGen C0027672, MeSH D009386, MONDO:0015356.
Hereditary breast ovarian cancer syndrome. Also called: Breast and ovarian cancer; Hereditary breast and ovarian cancer; Hereditary breast and/or ovarian cancer syndrome; BRCA1- and BRCA2-Associated Hereditary Breast and Ovarian Cancer; Hereditary breast and ovarian cancer syndrome; Hereditary breast and ovarian cancer syndrome (HBOC). Identifiers: Orphanet 145, MedGen C0677776, MeSH D061325, MONDO:0003582. Disease mechanism: loss of function.

Allele frequency attached by ClinVar (database versions not stated): gnomAD exomes below 0.00001.
gnomAD v4.1: 2 of 1,613,850 alleles (0.00012%); highest among the groups gnomAD compares: Non-Finnish European, 0.00017%; no homozygotes.

Submissions (2):

University of Washington Department of Laboratory Medicine, University of Washington
Classification: Likely benign for Hereditary cancer-predisposing syndrome. Last evaluated: 2023-03-23. Review status: criteria provided, single submitter. Criteria: Dines et al. (Genet Med. 2020). Collection method: curation. Allele origin: germline.
Comment: Missense variant in a coldspot region where missense variants are very unlikely to be pathogenic (PMID:31911673).

BRCA2 exon 11 coldspot. Reclassification based on statistical prior probability.

Labcorp Genetics (formerly Invitae), Labcorp
Classification: Uncertain significance for Hereditary breast ovarian cancer syndrome. Last evaluated: 2019-12-03. Review status: criteria provided, single submitter. Criteria: Invitae Variant Classification Sherloc (09022015). Collection method: clinical testing. Allele origin: germline.
Comment: In summary, the available evidence is currently insufficient to determine the role of this variant in disease. Therefore, it has been classified as a Variant of Uncertain Significance. Algorithms developed to predict the effect of missense changes on protein structure and function are either unavailable or do not agree on the potential impact of this missense change (SIFT: "Deleterious"; PolyPhen-2: "Probably Damaging"; Align-GVGD: "Class C0"). This variant has not been reported in the literature in individuals with BRCA2-related conditions. This variant is not present in population databases (ExAC no frequency). This sequence change replaces lysine with isoleucine at codon 945 of the BRCA2 protein (p.Lys945Ile). The lysine residue is weakly conserved and there is a moderate physicochemical difference between lysine and isoleucine.